The following is an entry in ClinVar:

NM_001330260.2(SCN8A):c.4719G>A (p.Met1573Ile)

Gene: SCN8A (sodium voltage-gated channel alpha subunit 8; plus strand). Cytogenetic location: 12q13.13.
Variant type: single nucleotide variant.
Coding change: c.4719G>A on transcript NM_001330260.2 (MANE Select); coding-DNA position 4719, G replaced by A.
Protein change: p.Met1573Ile; replaces methionine 1573 with isoleucine.
Molecular consequence: missense variant.
Genome position (GRCh38, 1-based): chr12:51,794,565, G>A. VCF-style: chr12-51794565-G-A. GRCh37 (hg19) VCF-style: chr12-52188349-G-A.
Other names: p.M1573I:ATG>ATA; c.4596G>A, p.Met1532Ile (NM_001177984.3, NM_001369788.1); c.4719G>A, p.Met1573Ile (NM_014191.4); c.4719G>A (NM_014191.2); short protein forms M1573I, M1532I.
Identifiers: ClinVar variation 207143 (VCV000207143.20), dbSNP rs780940263, ClinGen allele CA318323.

ClinVar aggregate classification (germline): Conflicting classifications of pathogenicity. Review status: criteria provided, conflicting classifications (1 of 4 stars). 5 submissions from 5 submitters: Uncertain significance (3); Likely benign (2). Last evaluated 2025-06-15.

Conditions:
SCN8A-related disorder.
Inborn genetic diseases. Identifiers: MedGen C0950123, MeSH D030342.
Early-infantile DEE. Also called: Early infantile epileptic encephalopathy; Ohtahara syndrome; Early infantile epileptic encephalopathy with suppression bursts. Identifiers: Orphanet 1934, MedGen C0393706, MONDO:0800491.

Allele frequency attached by ClinVar (database versions not stated): gnomAD 0.00002; gnomAD exomes 0.00004 and 0.00006; ExAC 0.00005; TOPMed 0.00007.

Submissions (5):

Labcorp Genetics (formerly Invitae), Labcorp
Classification: Uncertain significance for Early-infantile DEE. Last evaluated: 2025-06-15. Review status: criteria provided, single submitter. Criteria: Invitae Variant Classification Sherloc (09022015). Collection method: clinical testing. Allele origin: germline.
Comment: This sequence change replaces methionine, which is neutral and non-polar, with isoleucine, which is neutral and non-polar, at codon 1573 of the SCN8A protein (p.Met1573Ile). This variant is present in population databases (rs780940263, gnomAD 0.01%). This variant has not been reported in the literature in individuals affected with SCN8A-related conditions. ClinVar contains an entry for this variant (Variation ID: 207143). Invitae Evidence Modeling of protein sequence and biophysical properties (such as structural, functional, and spatial information, amino acid conservation, physicochemical variation, residue mobility, and thermodynamic stability) indicates that this missense variant is not expected to disrupt SCN8A protein function with a negative predictive value of 95%. In summary, the available evidence is currently insufficient to determine the role of this variant in disease. Therefore, it has been classified as a Variant of Uncertain Significance.

Ambry Genetics
Classification: Likely benign for Inborn genetic diseases. Last evaluated: 2024-11-18. Review status: criteria provided, single submitter. Criteria: Ambry Variant Classification Scheme 2023. Collection method: clinical testing. Allele origin: germline.

PreventionGenetics, part of Exact Sciences
Classification: Uncertain significance for SCN8A-related condition. Last evaluated: 2023-07-29. Review status: criteria provided, single submitter. Criteria: ACMG Guidelines, 2015. Collection method: clinical testing. Allele origin: germline.
Comment: The SCN8A c.4719G>A variant is predicted to result in the amino acid substitution p.Met1573Ile. To our knowledge, this variant has not been reported in the literature. This variant is reported in 0.014% of alleles in individuals of Latino descent in gnomAD. At this time, the clinical significance of this variant is uncertain due to the absence of conclusive functional and genetic evidence.

GeneDx
Classification: Likely benign. Last evaluated: 2021-01-25. Review status: criteria provided, single submitter. Criteria: GeneDx Variant Classification Process June 2021. Collection method: clinical testing. Allele origin: germline. Affected: yes.
Comment: Missense variants in this gene are often considered pathogenic (Stenson et al., 2014); In silico analysis supports that this missense variant does not alter protein structure/function

Eurofins Ntd Llc (ga)
Classification: Uncertain significance. Last evaluated: 2017-05-22. Review status: criteria provided, single submitter. Criteria: EGL Classification Definitions 2015. Collection method: clinical testing. Allele origin: germline. Observed: 1 variant allele, 1 heterozygote.